The following is an entry in ClinVar:

NM_003072.5(SMARCA4):c.1060C>G (p.Pro354Ala)

Gene: SMARCA4 (SWI/SNF related BAF chromatin remodeling complex subunit ATPase 4; plus strand). Cytogenetic location: 19p13.2.
Variant type: single nucleotide variant.
Coding change: c.1060C>G on transcript NM_003072.5 (MANE Select); coding-DNA position 1060, C replaced by G.
Protein change: p.Pro354Ala; replaces proline 354 with alanine.
Molecular consequence: missense variant. On other transcripts: non-coding transcript variant (1).
Genome position (GRCh38, 1-based): chr19:10,987,866, C>G. VCF-style: chr19-10987866-C-G. GRCh37 (hg19) VCF-style: chr19-11098542-C-G.
Other names: c.1060C>G, p.Pro354Ala (NM_001128844.3, NM_001128845.2, NM_001128846.2 and 6 more transcripts); c.1060C>G (NM_001128849.1); short protein forms P354A.
Identifiers: ClinVar variation 2746643 (VCV002746643.4), dbSNP rs864622680, ClinGen allele CA404058733.

ClinVar aggregate classification (germline): Uncertain significance. Review status: criteria provided, multiple submitters, no conflicts (2 of 4 stars). 2 submissions from 2 submitters: Uncertain significance (2). Last evaluated 2025-10-17.

Conditions:
Hereditary cancer-predisposing syndrome. Also called: Hereditary Cancer Syndrome; Neoplastic Syndromes, Hereditary; Tumor predisposition; Hereditary neoplastic syndrome. Identifiers: Orphanet 140162, MedGen C0027672, MeSH D009386, MONDO:0015356.
Rhabdoid tumor predisposition syndrome 2 (RTPS2). Identifiers: Orphanet 231108, Orphanet 69077, MedGen C2750074, MONDO:0013224, OMIM 613325.

Submissions (2):

Ambry Genetics
Classification: Uncertain significance for Hereditary cancer-predisposing syndrome. Last evaluated: 2025-10-17. Review status: criteria provided, single submitter. Criteria: Ambry Variant Classification Scheme 2023. Collection method: clinical testing. Allele origin: germline.
Comment: The p.P354A variant (also known as c.1060C>G), located in coding exon 5 of the SMARCA4 gene, results from a C to G substitution at nucleotide position 1060. The proline at codon 354 is replaced by alanine, an amino acid with highly similar properties. This amino acid position is conserved. In addition, the in silico prediction for this alteration is inconclusive. Based on the available evidence, the clinical significance of this variant remains unclear.

Labcorp Genetics (formerly Invitae), Labcorp
Classification: Uncertain significance for Rhabdoid tumor predisposition syndrome 2. Last evaluated: 2023-07-25. Review status: criteria provided, single submitter. Criteria: Invitae Variant Classification Sherloc (09022015). Collection method: clinical testing. Allele origin: germline.
Comment: This variant is not present in population databases (gnomAD no frequency). This variant has not been reported in the literature in individuals affected with SMARCA4-related conditions. This sequence change replaces proline, which is neutral and non-polar, with alanine, which is neutral and non-polar, at codon 354 of the SMARCA4 protein (p.Pro354Ala). In summary, the available evidence is currently insufficient to determine the role of this variant in disease. Therefore, it has been classified as a Variant of Uncertain Significance. Advanced modeling of protein sequence and biophysical properties (such as structural, functional, and spatial information, amino acid conservation, physicochemical variation, residue mobility, and thermodynamic stability) has been performed at Invitae for this missense variant, however the output from this modeling did not meet the statistical confidence thresholds required to predict the impact of this variant on SMARCA4 protein function.